The following is an entry in ClinVar:

NM_001367873.1(SOX6):c.846T>A (p.Ala282=)

Genes: SOX6 (SRY-box transcription factor 6; minus strand), LOC128772343 (melanoma risk locus-associated MPRA allelic enhancer 11:16133413; plus strand). Cytogenetic location: 11p15.2.
Variant type: single nucleotide variant.
Coding change: c.846T>A on transcript NM_001367873.1 (MANE Select); coding-DNA position 846, T replaced by A.
Protein change: p.Ala282=; no amino-acid change (alanine 282 retained).
Molecular consequence: synonymous variant.
Genome position (GRCh38, 1-based): chr11:16,111,855, A>T on the plus strand (T>A on the coding strand, the complement: SOX6 is on the minus strand). VCF-style: chr11-16111855-A-T. GRCh37 (hg19) VCF-style: chr11-16133401-A-T.
Other names: c.846T>A, p.Ala282= (NM_001145811.2, NM_001145819.2, NM_001367872.1 and 2 more transcripts).
Identifiers: ClinVar variation 4084306 (VCV004084306.8).

ClinVar aggregate classification (germline): Likely benign (1 of 4 stars; one submission).

Submission:

CeGaT Center for Human Genetics Tuebingen
Classification: Likely benign. Last evaluated: 2026-05-01. Review status: criteria provided, single submitter. Criteria: CeGaT Center For Human Genetics Tuebingen Variant Classification Criteria Version 2. Collection method: clinical testing. Allele origin: germline. Affected: yes. Observed: 4 variant alleles.
Comment: SOX6: PM2:Supporting, BP4, BP7